The following is an entry in ClinVar:

NM_018908.3(PCDHA5):c.2352+24794C>A

Genes: PCDHA1 (protocadherin alpha 1; plus strand), PCDHA2 (protocadherin alpha 2; plus strand), PCDHA3 (protocadherin alpha 3; plus strand), PCDHA4 (protocadherin alpha 4; plus strand), PCDHA5 (protocadherin alpha 5; plus strand) and 5 more. Cytogenetic location: 5q31.3.
Variant type: single nucleotide variant.
Coding change: c.2352+24794C>A on transcript NM_018908.3 (MANE Select); 24794 bases into the intron after coding-DNA position 2352, C replaced by A.
Molecular consequence: intron variant. On other transcripts: synonymous variant (2).
Genome position (GRCh38, 1-based): chr5:140,848,921, C>A. VCF-style: chr5-140848921-C-A. GRCh37 (hg19) VCF-style: chr5-140228506-C-A.
Other names: c.426C>A, p.Ile142= (NM_014005.5, NM_031857.2); c.2394+60237C>A (NM_018900.4); c.1602+61029C>A (NM_031411.3); c.2388+51569C>A (NM_018905.3); c.2394+45330C>A (NM_018906.3); c.2385+39349C>A (NM_018907.4); c.2394+18436C>A (NM_018909.4); c.1602+19228C>A (NM_031849.3); and 2 more.
Identifiers: ClinVar variation 2655773 (VCV002655773.22), dbSNP rs149924043, ClinGen allele CA3450226.

ClinVar aggregate classification (germline): Likely benign (1 of 4 stars; one submission).

Allele frequency attached by ClinVar (database versions not stated): 1000 Genomes Project 30x 0.00141; gnomAD 0.00283.
gnomAD v4.1: 3,692 of 1,607,738 alleles (0.23%); highest among the groups gnomAD compares: Middle Eastern, 0.94%; 94 homozygotes.

Submission:

CeGaT Center for Human Genetics Tuebingen
Classification: Likely benign. Last evaluated: 2026-03-01. Review status: criteria provided, single submitter. Criteria: CeGaT Center For Human Genetics Tuebingen Variant Classification Criteria Version 2. Collection method: clinical testing. Allele origin: germline. Affected: yes. Observed: 5 variant alleles.
Comment: PCDHA2: BS2; PCDHA3: BS2; PCDHA5: BS2; PCDHA6: BS2; PCDHA7: BS2; PCDHA8: BS2; PCDHA9: BP4, BP7, BS2